The following is an entry in ClinVar:

ClinVar aggregate classification (germline): Pathogenic (1 of 4 stars; one submission).

Conditions:
Cardiac anomalies - developmental delay - facial dysmorphism syndrome (MRFACD). Also called: MED13L Syndrome; Impaired intellectual development and distinctive facial features with or without cardiac defects. Identifiers: Orphanet 369891, MedGen C5192431, MONDO:0014773, OMIM 616789.

Submission:

Victorian Clinical Genetics Services, Murdoch Childrens Research Institute
Classification: Pathogenic for Cardiac anomalies - developmental delay - facial dysmorphism syndrome. Last evaluated: 2026-04-08. Review status: criteria provided, single submitter. Criteria: ACMG Guidelines, 2015. Collection method: clinical testing. Allele origin: germline. Affected: no.
Comment: This variant is classified as Pathogenic. Evidence in support of pathogenic classification: Variant is predicted to cause nonsense-mediated decay (NMD) and loss of protein (premature termination codon is located at least 54 nucleotides upstream of the final exon-exon junction); Variant is absent from gnomAD (v2, v3 and v4); Other NMD-predicted variant(s) comparable to the one identified in this case have very strong previous evidence for pathogenicity (DECIPHER) Additional information: This gene is associated with autosomal dominant disease; This variant has no previous evidence of pathogenicity; No published evidence of segregation with disease has been identified for this variant; No published functional evidence has been identified for this variant; Loss of function is a known mechanism of disease in this gene and is associated with impaired intellectual development and distinctive facial features with or without cardiac defects (MIM#616789); Variants in this gene are known to have variable expressivity (PMID: 29511999).

Literature cited by the submitters: PubMed 29511999.

NM_015335.5(MED13L):c.6274C>T (p.Gln2092Ter)

Gene: MED13L (mediator complex subunit 13L; minus strand). Cytogenetic location: 12q24.21.
Variant type: single nucleotide variant.
Coding change: c.6274C>T on transcript NM_015335.5 (MANE Select); coding-DNA position 6274, C replaced by T.
Protein change: p.Gln2092Ter; replaces glutamine 2092 with a stop codon.
Molecular consequence: nonsense.
Genome position (GRCh38, 1-based): chr12:115,966,195, G>A on the plus strand (C>T on the coding strand, the complement: MED13L is on the minus strand). VCF-style: chr12-115966195-G-A. GRCh37 (hg19) VCF-style: chr12-116404000-G-A.
Other names: short protein forms Q2092*.
Identifiers: ClinVar variation 4879800 (VCV004879800.1).